The following is an entry in ClinVar:

NM_000277.3(PAH):c.912+16T>A

Genes: PAH (phenylalanine hydroxylase; minus strand), LOC126861615 (CDK7 strongly-dependent group 2 enhancer GRCh37_chr12:103244689-103245888; plus strand). Cytogenetic location: 12q23.2.
Variant type: single nucleotide variant.
Coding change: c.912+16T>A on transcript NM_000277.3 (MANE Select); 16 bases into the intron after coding-DNA position 912, T replaced by A.
Molecular consequence: intron variant.
Genome position (GRCh38, 1-based): chr12:102,851,671, A>T on the plus strand (T>A on the coding strand, the complement: PAH is on the minus strand). VCF-style: chr12-102851671-A-T. GRCh37 (hg19) VCF-style: chr12-103245449-A-T.
Other names: c.912+16T>A (NM_001354304.2).
Identifiers: ClinVar variation 987772 (VCV000987772.1), dbSNP rs1875152576, ClinGen allele CA1139532533.
Genomic context (GRCh38, chr12:102,851,671, plus strand): 5'-CCTCCCTGGGCTCAACTCATTTGAGAAATTCAGGTCACAGACCTATAACTAGAAGGCTAA[A>T]AAATCCATTCCTTACCTGGGAAAACTGGGCAAAGCTGCGATCTGAAAACAAGGGCACATG-3'

ClinVar aggregate classification (germline): Uncertain significance (3 of 4 stars; one submission).

Conditions:
Phenylketonuria (PKU). Also called: OLIGOPHRENIA PHENYLPYRUVICA; Phenylketonuria (PKU); Phenylketonurias; FOLLING DISEASE. Identifiers: Orphanet 716, MedGen C0031485, MONDO:0009861, OMIM 261600. Disease mechanism: loss of function.

Submission:

ClinGen PAH Variant Curation Expert Panel
Classification: Uncertain significance for Phenylketonuria. Last evaluated: 2020-10-15. Review status: reviewed by expert panel. Criteria: ClinGen PAH ACMG Specifications v1. Collection method: curation. Allele origin: germline. Inheritance: Autosomal recessive inheritance.
Comment: This c.912+16T>A (aka IVS8+16T>A) variant in PAH was reported in one patient with mild/moderate PKU, observed in trans with pathogenic variant p.Arg111*. BH4 cofactor deficiency was ruled out, but only urinary pterin analysis was mentioned as a method of exclusion (PMID: 28982351). This intronic variant in absent from controls in population databases. Splicing prediction algorithms predict this variant to be benign. In summary, this variant meets criteria to be classified as Uncertain Significance. PAH-specific ACMG/AMP criteria applied: PM2, PP4, PM3, and BP7.

Literature cited by the submitters: PubMed 28982351.